The following is an entry in ClinVar:

ClinVar aggregate classification (germline): Benign. Review status: criteria provided, single submitter (1 of 4 stars). 2 submissions from 2 submitters: Benign (1). 1 of the submissions does not count toward it. Last evaluated 2026-01-08.

Conditions:
FBN3-related disorder. Also called: FBN3-related condition.

Allele frequency attached by ClinVar (database versions not stated): gnomAD exomes 0.00058 and 0.00104; ExAC 0.00131; 1000 Genomes Project 0.00319; gnomAD 0.00327 and 0.00346; 1000 Genomes Project 30x 0.00375; TOPMed 0.00388; ESP Exome Variant Server 0.00431.
gnomAD v4.1: 1,374 of 1,606,586 alleles (0.086%); highest among the groups gnomAD compares: African/African-American, 1%; 3 homozygotes.

Submissions (2):

Labcorp Genetics (formerly Invitae), Labcorp
Classification: Benign. Last evaluated: 2026-01-08. Review status: criteria provided, single submitter. Criteria: Invitae Variant Classification Sherloc (09022015). Collection method: clinical testing. Allele origin: germline.

PreventionGenetics, part of Exact Sciences
Classification: Likely benign for FBN3-related condition. Last evaluated: 2019-04-01. Review status: no assertion criteria provided. Collection method: clinical testing. Allele origin: germline. Not counted in ClinVar's aggregate classification.
Comment: This variant is classified as likely benign based on ACMG/AMP sequence variant interpretation guidelines (Richards et al. 2015 PMID: 25741868, with internal and published modifications).

NM_032447.5(FBN3):c.6657C>T (p.His2219=)

Gene: FBN3 (fibrillin 3; minus strand). Cytogenetic location: 19p13.2.
Variant type: single nucleotide variant.
Coding change: c.6657C>T on transcript NM_032447.5 (MANE Select); coding-DNA position 6657, C replaced by T.
Protein change: p.His2219=; no amino-acid change (histidine 2219 retained).
Molecular consequence: synonymous variant.
Genome position (GRCh38, 1-based): chr19:8,087,174, G>A on the plus strand (C>T on the coding strand, the complement: FBN3 is on the minus strand). VCF-style: chr19-8087174-G-A. GRCh37 (hg19) VCF-style: chr19-8152058-G-A.
Other names: c.6657C>T (NM_001321431.1); c.6657C>T, p.His2219= (NM_001321431.2).
Identifiers: ClinVar variation 785605 (VCV000785605.11), dbSNP rs114392304, ClinGen allele CA9151184.